The following is an entry in ClinVar:

ClinVar aggregate classification (germline): Benign/Likely benign. Review status: criteria provided, multiple submitters, no conflicts (2 of 4 stars). 10 submissions from 10 submitters: Benign (6); Likely benign (3). 1 of the submissions does not count toward it. Last evaluated 2025-06-04.

Conditions:
Autosomal dominant polycystic kidney disease. Identifiers: Orphanet 730, MedGen C0085413, MONDO:0004691.
Polycystic kidney disease, adult type (PKD1). Also called: Polycystic Kidney, Autosomal Dominant; Polycystic Kidney Disease 1, Autosomal Dominant; Polycystic kidney disease 1; Polycystic kidney disease 1, severe; POLYCYSTIC KIDNEY DISEASE 1 WITH OR WITHOUT POLYCYSTIC LIVER DISEASE; POLYCYSTIC KIDNEY DISEASE, ADULT, TYPE I. Identifiers: MedGen C3149841, MONDO:0008263, OMIM 173900.
Polycystic kidney disease. Also called: Polycystic kidney dysplasia; Kidney, Polycystic. Identifiers: MedGen C0022680, MeSH D007690, MONDO:0020642, HP:0000113.

Allele frequency attached by ClinVar (database versions not stated): gnomAD exomes 0.01183; ExAC 0.01344; ESP Exome Variant Server 0.04431; gnomAD 0.04733 and 0.05104; 1000 Genomes Project 0.05072; TOPMed 0.05360; 1000 Genomes Project 30x 0.05465.
gnomAD v4.1: 14,033 of 1,599,366 alleles (0.88%); highest among the groups gnomAD compares: African/African-American, 16%; 1,050 homozygotes.

Submissions (10):

Women's Health and Genetics/Laboratory Corporation of America, LabCorp
Classification: Likely benign. Last evaluated: 2025-06-04. Review status: criteria provided, single submitter. Criteria: LabCorp Variant Classification Summary - May 2015. Collection method: clinical testing. Allele origin: germline.

Blueprint Genetics
Classification: Benign. Last evaluated: 2024-11-26. Review status: criteria provided, single submitter. Criteria: ACMG Guidelines, 2015. Collection method: clinical testing. Allele origin: germline.

Mayo Clinic Laboratories, Mayo Clinic
Classification: Benign. Last evaluated: 2022-11-08. Review status: criteria provided, single submitter. Criteria: ACMG Guidelines, 2015. Collection method: clinical testing. Allele origin: germline. Observed: 35 variant alleles.

ARUP Laboratories, Molecular Genetics and Genomics, ARUP Laboratories
Classification: Benign for Polycystic kidney disease, adult type. Last evaluated: 2019-12-17. Review status: criteria provided, single submitter. Criteria: ARUP Molecular Germline Variant Investigation Process. Collection method: clinical testing. Allele origin: germline.

GeneDx
Classification: Benign. Last evaluated: 2019-10-11. Review status: criteria provided, single submitter. Criteria: GeneDx Variant Classification Process June 2021. Collection method: clinical testing. Allele origin: germline. Affected: yes.
Comment: This variant is associated with the following publications: (PMID: 17574468, 17582161, 22008521)

Molecular Genetics of Inherited Kidney Disorders Laboratory, Garvan Institute of Medical Research
Classification: Likely benign for Autosomal dominant polycystic kidney disease. Last evaluated: 2019-01-01. Review status: criteria provided, single submitter. Criteria: ACMG Guidelines, 2015. Collection method: research. Allele origin: germline. Affected: yes.

Athena Diagnostics
Classification: Benign. Last evaluated: 2017-10-23. Review status: criteria provided, single submitter. Criteria: Athena Diagnostics Criteria. Collection method: clinical testing. Allele origin: germline.

Breakthrough Genomics
Classification: Likely benign. Review status: criteria provided, single submitter. Criteria: ACMG Guidelines, 2015. Collection method: not provided. Allele origin: germline. Inheritance: Autosomal dominant inheritance. Affected: yes.

PreventionGenetics, part of Exact Sciences
Classification: Benign. Review status: criteria provided, single submitter. Criteria: ACMG Guidelines, 2015. Collection method: clinical testing. Allele origin: germline.

Department of Pathology and Laboratory Medicine, Sinai Health System
Classification: Benign for Polycystic Kidney disease. Review status: no assertion criteria provided. Collection method: clinical testing. Allele origin: unknown. Affected: yes. Observed: 2 variant alleles. Study: The Canadian Open Genetics Repository (COGR). Not counted in ClinVar's aggregate classification.
Comment: The PKD1 p.Trp2882Arg variant is identified in the literature in 3 of 716 proband chromosomes (frequency: 0.004) as a polymorphism from individuals or families with ADPKD, but it was not identified in 442 control chromosomes from healthy individuals (Bataille 2011, Rossetti 2007, Garcia-Gonzalez 2007). In addition the PKD1 p.Glu2966Asp variant was reported as co-occurring with 2 pathogenic PKD1 variants (1470A>G, Y420C and 4262C>T, R1351W) in a proband (Garcia-Gonzalez_2007). The variant was also identified in dbSNP (ID: rs13333553) as â€šÃ„ÃºWith Benign alleleâ€šÃ„Ã¹, Clinvitae (as benign), ClinVar (as benign, by Prevention Genetics), ADPKD Mutation Database (as likely neutral). This variant was identified in the 1000 Genomes Project in 254 of 5008 chromosomes (frequency: 0.050), the NHLBI GO Exome Sequencing Project in 6 of 7794 European American alleles (freq: 0.0007) and in 515 of 3964 African American alleles (freq: 0.13), the genome Aggregation Database (beta, October 19th 2016) in 3124 (239 homozygous) of 236960 chromosomes (freq. 0.013), the Exome Aggregation Consortium database (August 8th 2016) in 1510 (122 homozygous) of 112386 chromosomes (freq. 0.013) in the following populations: African in 1403 of 8206 chromosomes (freq. 0.171), Latino in 80 of 11338 chromosomes (freq. 0.007), other in 5 of 832 chromosomes (freq. 0.006), South Asian in 6 of 16338 chromosomes (freq. 0.0003), and European in 16 of 60860 chromosomes (freq. 0.0002), but was not seen in East Asian and Finnish populations. The variant was identified by our laboratory in 2 individuals with ADPKD, co-occurring with a pathogenic PKD1 variant (c.3489delC, p.Phe1163Leufsx8 and c.2494dupC, p.Arg832ProfsX40), increasing the likelihood that the p.Trp2882Arg variant does not have clinical significance. The p.Trp2882Arg variant was not identified in the PKD1-LOVD, PKD1-LOVD 3.0, COGR and HAPMAP databases. The p.Trp2882 residue is not conserved in mammals and other organisms and four out of five computational analyses (PolyPhen-2, SIFT, AlignGVGD, BLOSUM, MutationTaster) do not suggest a high likelihood of impact to the protein; however, this information is not predictive enough to rule out pathogenicity. The variant occurs outside of the splicing consensus sequence and 1 of 5 in silico or computational prediction software programs (SpliceSiteFinder, MaxEntScan, NNSPLICE, GeneSplicer, HumanSpliceFinder) predict a greater than 10% difference in splicing; this is not very predictive of pathogenicity. In summary, based on the above information, this variant meets our laboratory criteria to be classified as benign.

Literature cited by the submitters: PubMed 17574468 (cited by Athena Diagnostics); PubMed 17582161 (cited by Athena Diagnostics); PubMed 22008521 (cited by Athena Diagnostics).

NM_001009944.3(PKD1):c.8644T>A (p.Trp2882Arg)

Gene: PKD1 (polycystin 1, transient receptor potential channel interacting; minus strand). Cytogenetic location: 16p13.3.
Variant type: single nucleotide variant.
Coding change: c.8644T>A on transcript NM_001009944.3 (MANE Select); coding-DNA position 8644, T replaced by A.
Protein change: p.Trp2882Arg; replaces tryptophan 2882 with arginine.
Molecular consequence: missense variant.
Genome position (GRCh38, 1-based): chr16:2,103,413, A>T on the plus strand (T>A on the coding strand, the complement: PKD1 is on the minus strand). VCF-style: chr16-2103413-A-T. GRCh37 (hg19) VCF-style: chr16-2153414-A-T.
Other names: c.8644T>A, p.Trp2882Arg (NM_000296.4); short protein forms W2882R.
Identifiers: ClinVar variation 257025 (VCV000257025.20), dbSNP rs13333553, ClinGen allele CA7830440.